The following is an entry in ClinVar:

ClinVar aggregate classification (germline): Uncertain significance (1 of 4 stars; one submission).

Submission:

GeneDx
Classification: Uncertain significance. Last evaluated: 2014-05-12. Review status: criteria provided, single submitter. Criteria: GeneDx Variant Classification (06012015). Collection method: clinical testing. Allele origin: germline. Affected: yes.
Comment: Missense variants in the TTN gene are considered 'unclassified' if they are not previously reported in the literature and do not have >1% frequency in the population to be considered a polymorphism. Research indicates that truncating mutations in the TTN gene are expected to account for approximately 25% of familial and 18% of sporadic idiopathic DCM; however, truncating variants in the TTN gene have been reported in approximately 3% of reported control alleles. There has been little investigation into non-truncating variants. (Herman D et al. Truncations of titin causing dilated cardiomyopathy. N Eng J Med 366:619-628, 2012) The variant is found in CARDIOMYOPATHY panel(s).

NM_001267550.2(TTN):c.28889T>G (p.Ile9630Arg)

Gene: TTN (titin; minus strand). Cytogenetic location: 2q31.2.
Variant type: single nucleotide variant.
Coding change: c.28889T>G on transcript NM_001267550.2 (MANE Select); coding-DNA position 28889, T replaced by G.
Protein change: p.Ile9630Arg; replaces isoleucine 9630 with arginine.
Molecular consequence: missense variant. On other transcripts: intron variant (3).
Genome position (GRCh38, 1-based): chr2:178,707,678, A>C on the plus strand (T>G on the coding strand, the complement: TTN is on the minus strand). VCF-style: chr2-178707678-A-C. GRCh37 (hg19) VCF-style: chr2-179572405-A-C.
Other names: p.I9313R:ATA>AGA; c.27938T>G, p.Ile9313Arg (NM_001256850.1); c.25157T>G, p.Ile8386Arg (NM_133378.4); c.13282+30404T>G (NM_003319.4); c.13858+30404T>G (NM_133437.4); c.13657+30404T>G (NM_133432.3); short protein forms I9313R, I9630R, I8386R.
Identifiers: ClinVar variation 202531 (VCV000202531.2), dbSNP rs794729386, ClinGen allele CA309526.